The following is an entry in ClinVar:

ClinVar aggregate classification (germline): Pathogenic/Likely pathogenic. Review status: criteria provided, multiple submitters, no conflicts (2 of 4 stars). 4 submissions from 4 submitters: Pathogenic (2); Likely pathogenic (2). Last evaluated 2025-07-09.

Conditions:
Inborn genetic diseases. Identifiers: MedGen C0950123, MeSH D030342.
Fanconi anemia complementation group L (FANCL). Also called: FANCL-Related Fanconi Anemia. Identifiers: Orphanet 84, MedGen C3469528, MONDO:0013566, OMIM 614083.
Fanconi anemia (FA). Also called: Fanconi's anemia. Identifiers: Orphanet 84, MedGen C0015625, MeSH D005199, MONDO:0019391.

Submissions (4):

Ambry Genetics
Classification: Pathogenic for Inborn genetic diseases. Last evaluated: 2025-07-09. Review status: criteria provided, single submitter. Criteria: Ambry Variant Classification Scheme 2023. Collection method: clinical testing. Allele origin: germline.
Comment: The c.378delT (p.V127Cfs*12) alteration, located in exon 6 (coding exon 6) of the FANCL gene, consists of a deletion of one nucleotide at position 378, causing a translational frameshift with a predicted alternate stop codon after 12 amino acids. This alteration is expected to result in loss of function by premature protein truncation or nonsense-mediated mRNA decay. Based on data from gnomAD, the c.378delT (p.V127Cfs*12) variant has an overall frequency of 0.001% (3/251176) total alleles studied. The highest observed frequency was 0.003% (3/113530) of European (non-Finnish) alleles. Based on the available evidence, this alteration is classified as pathogenic.

Fulgent Genetics
Classification: Likely pathogenic for Fanconi anemia complementation group L. Last evaluated: 2024-05-02. Review status: criteria provided, single submitter. Criteria: ACMG Guidelines, 2015. Collection method: clinical testing. Allele origin: germline.

Baylor Genetics
Classification: Likely pathogenic for Fanconi anemia complementation group L. Last evaluated: 2023-11-05. Review status: criteria provided, single submitter. Criteria: ACMG Guidelines, 2015. Collection method: clinical testing. Allele origin: unknown.

Labcorp Genetics (formerly Invitae), Labcorp
Classification: Pathogenic for Fanconi anemia. Last evaluated: 2023-07-12. Review status: criteria provided, single submitter. Criteria: Invitae Variant Classification Sherloc (09022015). Collection method: clinical testing. Allele origin: germline.
Comment: For these reasons, this variant has been classified as Pathogenic. This variant has not been reported in the literature in individuals affected with FANCL-related conditions. This variant is present in population databases (no rsID available, gnomAD 0.002%). This sequence change creates a premature translational stop signal (p.Val127Cysfs*12) in the FANCL gene. It is expected to result in an absent or disrupted protein product. Loss-of-function variants in FANCL are known to be pathogenic (PMID: 19405097, 23613520).

Literature cited by the submitters: PubMed 19405097 (cited by Labcorp Genetics (formerly Invitae), Labcorp); PubMed 23613520 (cited by Labcorp Genetics (formerly Invitae), Labcorp).

NM_018062.4(FANCL):c.378del (p.Val127fs)

Gene: FANCL (FA complementation group L; minus strand). Cytogenetic location: 2p16.1.
Variant type: Deletion.
Coding change: c.378del on transcript NM_018062.4 (MANE Select); coding-DNA position 378, one base deleted (T; older notation c.378delT).
Protein change: p.Val127fs; shifts the reading frame from valine 127.
Molecular consequence: frameshift variant.
Genome position (GRCh38, 1-based): chr2:58,204,223, A deleted on the plus strand (T on the coding strand, the reverse complement: FANCL is on the minus strand); the first of 2 consecutive A bases (chr2:58,204,223-58,204,224); deleting either gives the same sequence. VCF-style (leftmost placement, unchanged base first): chr2-58204222-CA-C. GRCh37 (hg19) VCF-style: chr2-58431357-CA-C.
Other names: c.377delT, p.Val127Cysfs (NM_001114636.2); c.378del, p.Val127fs (NM_001374615.1, NM_001410792.1); c.378delT (NM_018062.3); short protein forms V127fs.
Identifiers: ClinVar variation 2896923 (VCV002896923.6), dbSNP rs1482973840, ClinGen allele CA533055840.